The following is an entry in ClinVar:

ClinVar aggregate classification (germline): Conflicting classifications of pathogenicity. Review status: criteria provided, conflicting classifications (1 of 4 stars). 6 submissions from 6 submitters: Uncertain significance (4); Benign (1); Likely benign (1). Last evaluated 2025-12-10.

Conditions:
Hereditary cancer-predisposing syndrome. Also called: Neoplastic Syndromes, Hereditary; Hereditary neoplastic syndrome; Hereditary Cancer Syndrome; Tumor predisposition. Identifiers: Orphanet 140162, MedGen C0027672, MeSH D009386, MONDO:0015356.
Tuberous sclerosis 1 (TSC1). Identifiers: Orphanet 805, MedGen C1854465, MONDO:0008612, OMIM 191100.

Allele frequency attached by ClinVar (database versions not stated): gnomAD exomes below 0.00001.
gnomAD v4.1: 7 of 1,614,214 alleles (0.00043%); highest among the groups gnomAD compares: African/African-American, 0.0013%; no homozygotes.

Submissions (6):

Labcorp Genetics (formerly Invitae), Labcorp
Classification: Benign for Tuberous sclerosis 1. Last evaluated: 2025-12-10. Review status: criteria provided, single submitter. Criteria: Invitae Variant Classification Sherloc (09022015). Collection method: clinical testing. Allele origin: germline.

Ambry Genetics
Classification: Uncertain significance for Hereditary cancer-predisposing syndrome. Last evaluated: 2024-05-15. Review status: criteria provided, single submitter. Criteria: Ambry Variant Classification Scheme 2023. Collection method: clinical testing. Allele origin: germline.
Comment: The p.E625A variant (also known as c.1874A>C), located in coding exon 13 of the TSC1 gene, results from an A to C substitution at nucleotide position 1874. The glutamic acid at codon 625 is replaced by alanine, an amino acid with dissimilar properties. This amino acid position is not well conserved in available vertebrate species. In addition, this alteration is predicted to be tolerated by in silico analysis. Based on the available evidence, the clinical significance of this variant remains unclear.

GeneDx
Classification: Uncertain significance. Last evaluated: 2022-07-07. Review status: criteria provided, single submitter. Criteria: GeneDx Variant Classification Process June 2021. Collection method: clinical testing. Allele origin: germline. Affected: yes.
Comment: Has not been previously published as pathogenic or benign to our knowledge; Not observed at significant frequency in large population cohorts (gnomAD); In silico analysis supports that this missense variant does not alter protein structure/function

Genome-Nilou Lab
Classification: Uncertain significance for Tuberous sclerosis 1. Last evaluated: 2021-11-07. Review status: criteria provided, single submitter. Criteria: ACMG Guidelines, 2015. Collection method: clinical testing. Allele origin: germline. Affected: no.

Baylor Genetics
Classification: Uncertain significance for Tuberous sclerosis 1. Last evaluated: 2021-02-09. Review status: criteria provided, single submitter. Criteria: ACMG Guidelines, 2015. Collection method: clinical testing. Allele origin: paternal. Affected: yes. Study: CSER-TexasKidsCanSeq.
Comment: This variant was determined to be of uncertain significance according to ACMG Guidelines, 2015 [PMID:25741868].

PreventionGenetics, part of Exact Sciences
Classification: Likely benign. Review status: criteria provided, single submitter. Criteria: ACMG Guidelines, 2015. Collection method: clinical testing. Allele origin: germline.

NM_000368.5(TSC1):c.1874A>C (p.Glu625Ala)

Gene: TSC1 (TSC complex subunit 1; minus strand). Cytogenetic location: 9q34.13.
Variant type: single nucleotide variant.
Coding change: c.1874A>C on transcript NM_000368.5 (MANE Select); coding-DNA position 1874, A replaced by C.
Protein change: p.Glu625Ala; replaces glutamic acid 625 with alanine.
Molecular consequence: missense variant.
Genome position (GRCh38, 1-based): chr9:132,905,704, T>G on the plus strand (A>C on the coding strand, the complement: TSC1 is on the minus strand). VCF-style: chr9-132905704-T-G. GRCh37 (hg19) VCF-style: chr9-135781091-T-G.
Other names: c.1871A>C, p.Glu624Ala (NM_001162426.2); c.1721A>C, p.Glu574Ala (NM_001162427.2); c.1511A>C, p.Glu504Ala (NM_001362177.2); short protein forms E625A, E574A, E504A, E624A.
Identifiers: ClinVar variation 255948 (VCV000255948.21), dbSNP rs886038287, ClinGen allele CA10587021.